The following is an entry in ClinVar:

NM_000453.3(SLC5A5):c.1330-2A>G

Gene: SLC5A5 (solute carrier family 5 member 5; plus strand). Cytogenetic location: 19p13.11.
Variant type: single nucleotide variant.
Coding change: c.1330-2A>G on transcript NM_000453.3 (MANE Select); the canonical splice acceptor site of the intron before coding-DNA position 1330, A replaced by G.
Molecular consequence: splice acceptor variant.
Genome position (GRCh38, 1-based): chr19:17,883,848, A>G. VCF-style: chr19-17883848-A-G. GRCh37 (hg19) VCF-style: chr19-17994657-A-G.
Identifiers: ClinVar variation 2767410 (VCV002767410.3), dbSNP rs2514637650, ClinGen allele CA404768212.

ClinVar aggregate classification (germline): Pathogenic (1 of 4 stars; one submission).

Submission:

Labcorp Genetics (formerly Invitae), Labcorp
Classification: Pathogenic. Last evaluated: 2023-10-10. Review status: criteria provided, single submitter. Criteria: Invitae Variant Classification Sherloc (09022015). Collection method: clinical testing. Allele origin: germline.
Comment: This sequence change affects an acceptor splice site in intron 11 of the SLC5A5 gene. It is expected to disrupt RNA splicing. Variants that disrupt the donor or acceptor splice site typically lead to a loss of protein function (PMID: 16199547), and loss-of-function variants in SLC5A5 are known to be pathogenic (PMID: 9388506, 9486973). This variant is not present in population databases (gnomAD no frequency). Disruption of this splice site has been observed in individual(s) with SLC5A5-related conditions (PMID: 35438852). In at least one individual the data is consistent with being in trans (on the opposite chromosome) from a pathogenic variant. It has also been observed to segregate with disease in related individuals. Algorithms developed to predict the effect of sequence changes on RNA splicing suggest that this variant may disrupt the consensus splice site. For these reasons, this variant has been classified as Pathogenic.

Literature cited by the submitters: PubMed 16199547; PubMed 9388506; PubMed 9486973; PubMed 35438852.